The following is an entry in ClinVar:

NC_000009.11:g.(?_6533017)_(6540166_?)dup

Gene: GLDC (glycine decarboxylase; minus strand). Cytogenetic location: 9p24.1.
Variant type: Duplication.
Identifiers: ClinVar variation 2422533 (VCV002422533.6).

ClinVar aggregate classification (germline): Uncertain significance (1 of 4 stars; one submission).

Conditions:
Glycine encephalopathy. Also called: Nonketotic hyperglycinemia; Non-ketotic hyperglycinemia. Identifiers: Orphanet 407, MedGen C0751748, MONDO:0011612, HP:0008288.

Submission:

Labcorp Genetics (formerly Invitae), Labcorp
Classification: Uncertain significance for Glycine encephalopathy. Last evaluated: 2022-08-02. Review status: criteria provided, single submitter. Criteria: Invitae Variant Classification Sherloc (09022015). Collection method: clinical testing. Allele origin: germline.
Comment: This variant results in a copy number gain of the genomic region encompassing exon(s) 22-25 of the GLDC gene. This region includes the termination codon of the gene. This copy number gain extends beyond the assayed region for this gene and therefore may encompass additional genes. As the precise location of this event is unknown, it may be in tandem or it may be located elsewhere in the genome. This variant has not been reported in the literature in individuals affected with GLDC-related conditions. In summary, the available evidence is currently insufficient to determine the role of this variant in disease. Therefore, it has been classified as a Variant of Uncertain Significance.